The following is an entry in ClinVar:

ClinVar aggregate classification (germline): Likely benign. Review status: criteria provided, single submitter (1 of 4 stars). 2 submissions from 2 submitters: Likely benign (1). 1 of the submissions does not count toward it. Last evaluated 2026-06-01.

Allele frequency attached by ClinVar (database versions not stated): TOPMed 0.00039; gnomAD 0.00045 and 0.00025; 1000 Genomes Project 30x 0.00047; ESP Exome Variant Server 0.00054; 1000 Genomes Project 0.00060; gnomAD exomes 0.00076 and 0.00153; ExAC 0.00162.
gnomAD v4.1: 1,212 of 1,614,206 alleles (0.075%); highest among the groups gnomAD compares: South Asian, 0.73%; 10 homozygotes.

Submissions (2):

CeGaT Center for Human Genetics Tuebingen
Classification: Likely benign. Last evaluated: 2026-06-01. Review status: criteria provided, single submitter. Criteria: CeGaT Center For Human Genetics Tuebingen Variant Classification Criteria Version 2. Collection method: clinical testing. Allele origin: germline. Affected: yes. Observed: 4 variant alleles.
Comment: KRT8: BS2

Epithelial Biology;  Institute of Medical Biology, Singapore
No classification provided. Review status: no classification provided. Collection method: not provided. Allele origin: not provided. Not counted in ClinVar's aggregate classification.

NM_002273.4(KRT8):c.1138G>A (p.Val380Ile)

Gene: KRT8 (keratin 8; minus strand). Cytogenetic location: 12q13.13.
Variant type: single nucleotide variant.
Coding change: c.1138G>A on transcript NM_002273.4 (MANE Select); coding-DNA position 1138, G replaced by A.
Protein change: p.Val380Ile; replaces valine 380 with isoleucine.
Molecular consequence: missense variant. On other transcripts: non-coding transcript variant (1).
Genome position (GRCh38, 1-based): chr12:52,898,743, C>T on the plus strand (G>A on the coding strand, the complement: KRT8 is on the minus strand). VCF-style: chr12-52898743-C-T. GRCh37 (hg19) VCF-style: chr12-53292527-C-T.
Other names: c.1222G>A, p.Val408Ile (NM_001256282.2); c.1138G>A, p.Val380Ile (NM_001256293.2); short protein forms V380I, V408I.
Identifiers: ClinVar variation 66524 (VCV000066524.43), dbSNP rs56997521, ClinGen allele CA217249.
Genomic context (GRCh38, chr12:52,898,743, plus strand): 5'-TCTCCTCGCCCTCCAGCAGCTTCCTGTAGGTGGCGATCTCGATGTCCAGGGCCAGCTTGA[C>T]GTTCATCAGCTCCTGGTACTCACGCAGCTGCCGCGCCATGTCCTGCTTGGCCCGCTGCAG-3'
Protein context (NP_002264.1, residues 370-390): QLREYQELMN[Val380Ile]KLALDIEIAT